The following is an entry in ClinVar:

ClinVar aggregate classification (germline): Benign. Review status: reviewed by expert panel (3 of 4 stars). 8 submissions from 8 submitters: Benign (1). 7 of the submissions do not count toward it. Last evaluated 2025-05-20.

Conditions:
RPGR-related retinopathy. Also called: RPGR retinopathy. Identifiers: MedGen CN305589, MONDO:0100437.
Retinal dystrophy. Also called: Inherited retinal dystrophy. Identifiers: Orphanet 71862, MedGen C0854723, MeSH D058499, MONDO:0019118, HP:0000556.
Primary ciliary dyskinesia. Also called: Ciliary dyskinesia. Identifiers: Orphanet 244, MedGen C0008780, MONDO:0016575, HP:0012265.

Allele frequency attached by ClinVar (database versions not stated): ESP Exome Variant Server 0.06174; gnomAD 0.07772 and 0.08636; TOPMed 0.09025; gnomAD exomes 0.10273 and 0.13998; ExAC 0.13759; 1000 Genomes Project 30x 0.16941; 1000 Genomes Project 0.17907.
gnomAD v4.1: 122,724 of 1,209,237 alleles (10%); highest among the groups gnomAD compares: East Asian, 41%; 6,166 homozygotes.

Submissions (8):

ClinGen X-linked Inherited Retinal Disease Variant Curation Expert Panel, ClinGen
Classification: Benign for RPGR-related retinopathy. Last evaluated: 2025-05-20. Review status: reviewed by expert panel. Criteria: ClinGen X LinkedIRD ACMG Specifications RPGR V1.0.0. Collection method: curation. Allele origin: germline. Inheritance: X-linked inheritance.
Comment: NM_001034853.2(RPGR):c.3430G>A (p.Val1144Ile) is a missense variant predicted to replace valine with isoleucine at amino acid 1144. This variant is present in gnomAD v.4.1.0 at a frequency of 0.1054 among hemizygous individuals, with 41,850 variant alleles / 397,045 total alleles, which is higher than the ClinGen X-linked IRD VCEP BA1 threshold of >0.00005 (BA1). The computational predictor REVEL gives a score of 0.081, which is below the ClinGen X-linked IRD VCEP threshold of <0.183 and predicts a non-damaging effect on RPGR function. Additionally, the splicing impact predictor SpliceAI gives a delta score of 0.00, which is below the ClinGen X-linked IRD VCEP recommended threshold of <0.1 and does not strongly predict an impact on splicing (BP4_moderate). In summary, this variant is classified as benign for RPGR-related retinopathy based on the ClinGen X-linked Inherited Retinal Disease Expert Panel Specifications to the ACMG/AMP Variant Interpretation Guidelines for RPGR Version 1.0.0; BA1 and BP4_moderate. (date of approval 05/16/2025).

Labcorp Genetics (formerly Invitae), Labcorp
Classification: Benign for Primary ciliary dyskinesia. Last evaluated: 2026-02-04. Review status: criteria provided, single submitter. Criteria: Invitae Variant Classification Sherloc (09022015). Collection method: clinical testing. Allele origin: germline. Not counted in ClinVar's aggregate classification.

Blueprint Genetics
Classification: Likely benign. Last evaluated: 2024-11-28. Review status: criteria provided, single submitter. Criteria: ACMG Guidelines, 2015. Collection method: clinical testing. Allele origin: germline. Not counted in ClinVar's aggregate classification.

Dept Of Ophthalmology, Nagoya University
Classification: Benign for Retinal dystrophy. Last evaluated: 2023-10-01. Review status: criteria provided, single submitter. Criteria: Submitter's publication. Collection method: research. Allele origin: germline. Affected: yes. Not counted in ClinVar's aggregate classification.

PreventionGenetics, part of Exact Sciences
Classification: Benign. Last evaluated: 2021-08-27. Review status: criteria provided, single submitter. Criteria: ACMG Guidelines, 2015. Collection method: clinical testing. Allele origin: germline. Not counted in ClinVar's aggregate classification.

Laboratory for Molecular Medicine, Mass General Brigham Personalized Medicine
Classification: Benign. Last evaluated: 2016-03-28. Review status: criteria provided, single submitter. Criteria: LMM Criteria. Collection method: clinical testing. Allele origin: germline. Not counted in ClinVar's aggregate classification.
Comment: Variant identified in a genome or exome case(s) and assessed due to predicted null impact of the variant or pathogenic assertions in the literature or databases. Disclaimer: This variant has not undergone full assessment. The following are preliminary notes: MAF

GeneDx
Classification: Benign. Last evaluated: 2015-03-03. Review status: criteria provided, single submitter. Criteria: GeneDx Variant Classification Process June 2021. Collection method: clinical testing. Allele origin: germline. Affected: yes. Not counted in ClinVar's aggregate classification.

Breakthrough Genomics
Classification: Benign. Review status: criteria provided, single submitter. Criteria: ACMG Guidelines, 2015. Collection method: not provided. Allele origin: germline. Inheritance: X-linked inheritance. Affected: yes. Not counted in ClinVar's aggregate classification.

NM_001034853.2(RPGR):c.3430G>A (p.Val1144Ile)

Gene: RPGR (retinitis pigmentosa GTPase regulator; minus strand). Cytogenetic location: Xp11.4.
Variant type: single nucleotide variant.
Coding change: c.3430G>A on transcript NM_001034853.2 (MANE Select); coding-DNA position 3430, G replaced by A.
Protein change: p.Val1144Ile; replaces valine 1144 with isoleucine.
Molecular consequence: missense variant. On other transcripts: intron variant (8).
Genome position (GRCh38, 1-based): chrX:38,285,569, C>T on the plus strand (G>A on the coding strand, the complement: RPGR is on the minus strand). VCF-style: chrX-38285569-C-T. GRCh37 (hg19) VCF-style: chrX-38144822-C-T.
Other names: NM_001034853.2(RPGR):c.3430G>A; c.1569+5390G>A (NM_001367249.1, NM_001367250.1); c.1902+1525G>A (NM_001367245.1); c.1386+5390G>A (NM_001367251.1); c.1719+1525G>A (NM_001367246.1); c.1572+5390G>A (NM_001367247.1); c.1905+1525G>A (NM_000328.3); c.1602+5390G>A (NM_001367248.1); short protein forms V1144I.
Identifiers: ClinVar variation 403388 (VCV000403388.19), dbSNP rs12688514, ClinGen allele CA10385143.